The following is an entry in ClinVar:

ClinVar aggregate classification (germline): Likely benign. Review status: criteria provided, multiple submitters, no conflicts (2 of 4 stars). 2 submissions from 2 submitters: Likely benign (2). Last evaluated 2026-05-01.

Allele frequency attached by ClinVar (database versions not stated): ExAC 0.00001; gnomAD 0.00002; gnomAD exomes 0.00004.
gnomAD v4.1: 31 of 1,613,304 alleles (0.0019%); highest among the groups gnomAD compares: Admixed American, 0.018%; no homozygotes.

Submissions (2):

CeGaT Center for Human Genetics Tuebingen
Classification: Likely benign. Last evaluated: 2026-05-01. Review status: criteria provided, single submitter. Criteria: CeGaT Center For Human Genetics Tuebingen Variant Classification Criteria Version 2. Collection method: clinical testing. Allele origin: germline. Affected: yes. Observed: 1 variant allele.
Comment: CACNA1D: BP4, BP7

Labcorp Genetics (formerly Invitae), Labcorp
Classification: Likely benign. Last evaluated: 2025-02-25. Review status: criteria provided, single submitter. Criteria: Invitae Variant Classification Sherloc (09022015). Collection method: clinical testing. Allele origin: germline.

NM_001128840.3(CACNA1D):c.924C>T (p.Ile308=)

Gene: CACNA1D (calcium voltage-gated channel subunit alpha1 D; plus strand). Cytogenetic location: 3p21.1.
Variant type: single nucleotide variant.
Coding change: c.924C>T on transcript NM_001128840.3 (MANE Select); coding-DNA position 924, C replaced by T.
Protein change: p.Ile308=; no amino-acid change (isoleucine 308 retained).
Molecular consequence: synonymous variant.
Genome position (GRCh38, 1-based): chr3:53,666,343, C>T. VCF-style: chr3-53666343-C-T. GRCh37 (hg19) VCF-style: chr3-53700370-C-T.
Other names: c.924C>T, p.Ile308= (NM_000720.4, NM_001128839.3).
Identifiers: ClinVar variation 795533 (VCV000795533.9), dbSNP rs753132052, ClinGen allele CA2453793.
Genomic context (GRCh38, chr3:53,666,343, plus strand): 5'-TTGGATTTCCTGATGTTTCTGTCCTGAGCGGTACAGCCTGTTTGCTCTGTTTGCAGATAT[C>T]GTAGCTGAAGAGGACCCAGCTCCATGTGCGTTCTCAGGGAATGGACGCCAGTGTACTGCC-3'
Protein context (NP_001122312.1, residues 298-318): HKTCFFADSD[Ile308=]VAEEDPAPCA